The following is an entry in ClinVar:

ClinVar aggregate classification (germline): Likely pathogenic. Review status: criteria provided, multiple submitters, no conflicts (2 of 4 stars). 5 submissions from 5 submitters: Likely pathogenic (5). Last evaluated 2024-12-11.

Conditions:
Hereditary cancer-predisposing syndrome. Also called: Tumor predisposition; Neoplastic Syndromes, Hereditary; Hereditary Cancer Syndrome; Hereditary neoplastic syndrome. Identifiers: Orphanet 140162, MedGen C0027672, MeSH D009386, MONDO:0015356.
Fanconi anemia complementation group J. Also called: BRIP1-Related Fanconi Anemia. Identifiers: Orphanet 84, MedGen C1836860, MONDO:0012187, OMIM 609054.
Familial cancer of breast. Also called: BREAST CANCER, FAMILIAL; Hereditary breast cancer; hereditary breast carcinoma. Identifiers: Orphanet 227535, MedGen C0346153, MONDO:0016419, OMIM 114480. Disease mechanism: loss of function.

Allele frequency attached by ClinVar (database versions not stated): gnomAD 0.00001.
gnomAD v4.1: 1 of 1,613,746 alleles (0.000062%); highest among the groups gnomAD compares: African/African-American, 0.0013%; no homozygotes.

Submissions (5):

Ambry Genetics
Classification: Likely pathogenic for Hereditary cancer-predisposing syndrome. Last evaluated: 2024-12-11. Review status: criteria provided, single submitter. Criteria: Ambry Variant Classification Scheme 2023. Collection method: clinical testing. Allele origin: germline.
Comment: The c.2379+1G>A intronic variant results from a G to A substitution one nucleotide after coding exon 15 of the BRIP1 gene. This nucleotide position is highly conserved in available vertebrate species. In silico splice site analysis predicts that this alteration will weaken the native splice donor site. This variant is considered to be rare based on population cohorts in the Genome Aggregation Database (gnomAD). Alterations that disrupt the canonical splice site are expected to cause aberrant splicing, resulting in an abnormal protein or a transcript that is subject to nonsense-mediated mRNA decay. As such, this alteration is classified as likely pathogenic.

Labcorp Genetics (formerly Invitae), Labcorp
Classification: Likely pathogenic for Familial cancer of breast; Fanconi anemia complementation group J. Last evaluated: 2024-09-18. Review status: criteria provided, single submitter. Criteria: Invitae Variant Classification Sherloc (09022015). Collection method: clinical testing. Allele origin: germline.
Comment: This sequence change affects a donor splice site in intron 16 of the BRIP1 gene. RNA analysis indicates that disruption of this splice site induces altered splicing and may result in an absent or altered protein product. This variant is not present in population databases (gnomAD no frequency). This variant has not been reported in the literature in individuals affected with BRIP1-related conditions. ClinVar contains an entry for this variant (Variation ID: 479430). Studies have shown that disruption of this splice site results in skipping of exon 16, and produces a non-functional protein and/or introduces a premature termination codon (internal data). In summary, the currently available evidence indicates that the variant is pathogenic, but additional data are needed to prove that conclusively. Therefore, this variant has been classified as Likely Pathogenic.

Myriad Genetics, Inc.
Classification: Likely pathogenic for Familial cancer of breast. Last evaluated: 2023-06-06. Review status: criteria provided, single submitter. Criteria: Myriad Autosomal Dominant, Autosomal Recessive and X-Linked Classification Criteria (2023). Collection method: clinical testing. Allele origin: unknown.
Comment: This variant is considered likely pathogenic. This variant occurs within a consensus splice junction and is predicted to result in abnormal mRNA splicing of either an out-of-frame exon or an in-frame exon necessary for protein stability and/or normal function.

Color Diagnostics, LLC DBA Color Health
Classification: Likely pathogenic for Hereditary cancer-predisposing syndrome. Last evaluated: 2022-11-16. Review status: criteria provided, single submitter. Criteria: ACMG Guidelines, 2015. Collection method: clinical testing. Allele origin: germline.
Comment: This variant causes a G>A nucleotide substitution at the +1 position of intron 16 of the BRIP1 gene. Splice site prediction tools predict that this variant may have a significant impact on RNA splicing. Although this prediction has not been confirmed in published RNA studies, this variant is expected to result in an absent or disrupted protein product. This variant has not been reported in individuals affected with hereditary cancer in the literature. This variant has not been identified in the general population by the Genome Aggregation Database (gnomAD). Loss of BRIP1 function is a known mechanism of disease. Based on the available evidence, this variant is classified as Likely Pathogenic.

Baylor Genetics
Classification: Likely pathogenic for Familial cancer of breast. Last evaluated: 2022-07-13. Review status: criteria provided, single submitter. Criteria: ACMG Guidelines, 2015. Collection method: clinical testing. Allele origin: unknown.

NM_032043.3(BRIP1):c.2379+1G>A

Gene: BRIP1 (BRCA1 interacting DNA helicase 1; minus strand). Cytogenetic location: 17q23.2.
Variant type: single nucleotide variant.
Coding change: c.2379+1G>A on transcript NM_032043.3 (MANE Select); the canonical splice donor site of the intron after coding-DNA position 2379, G replaced by A.
Molecular consequence: splice donor variant.
Genome position (GRCh38, 1-based): chr17:61,743,012, C>T on the plus strand (G>A on the coding strand, the complement: BRIP1 is on the minus strand). VCF-style: chr17-61743012-C-T. GRCh37 (hg19) VCF-style: chr17-59820373-C-T.
Identifiers: ClinVar variation 479430 (VCV000479430.24), dbSNP rs1555590286, ClinGen allele CA400482519.